The following is an entry in ClinVar:

NC_000012.12:g.6943815G>A

Genes: C12orf57 (chromosome 12 open reading frame 57; plus strand), RNU7-1 (RNA, U7 small nuclear 1; plus strand). Cytogenetic location: 12p13.31.
Variant type: single nucleotide variant.
Molecular consequence: intron variant (on NM_001301836.2).
Genome position: GRCh38 VCF-style: chr12-6943815-G-A. GRCh37 (hg19) VCF-style: chr12-7052978-G-A.
Other names: c.13+153G>A (NM_001301836.2); c.-16+153G>A (NM_001301834.1).
Identifiers: ClinVar variation 1247634 (VCV001247634.6), dbSNP rs61917871, ClinGen allele CA232435142.

ClinVar aggregate classification (germline): Benign. Review status: criteria provided, multiple submitters, no conflicts (2 of 4 stars). 3 submissions from 3 submitters: Benign (3). Last evaluated 2026-01-22.

Allele frequency attached by ClinVar (database versions not stated): 1000 Genomes Project 0.01518; 1000 Genomes Project 30x 0.01546.
gnomAD v4.1: 35,700 of 842,698 alleles (4.2%); highest among the groups gnomAD compares: Non-Finnish European, 5.1%; 942 homozygotes.

Submissions (3):

Women's Health and Genetics/Laboratory Corporation of America, LabCorp
Classification: Benign. Last evaluated: 2026-01-22. Review status: criteria provided, single submitter. Criteria: LabCorp Variant Classification Summary - May 2015. Collection method: clinical testing. Allele origin: germline.
Comment: Variant summary: RNU7-1 n.-1G>A is located in the untranscribed region upstream of the RNU7-1 gene region. The variant allele was found at a frequency of 0.042 in 842698 control chromosomes in the gnomAD database, including 942 homozygotes. The observed variant frequency exceeds the estimated maximal expected allele frequency for disease-causing variants in RNU7-1. To our knowledge, no occurrence of n.-1G>A in individuals affected with RNU7-1-related conditions and no experimental evidence demonstrating its impact on protein function have been reported. ClinVar contains an entry for this variant (Variation ID: 1247634). Based on the evidence outlined above, the variant was classified as benign.

GeneDx
Classification: Benign. Last evaluated: 2021-03-29. Review status: criteria provided, single submitter. Criteria: GeneDx Variant Classification Process June 2021. Collection method: clinical testing. Allele origin: germline. Affected: yes.

Breakthrough Genomics
Classification: Benign. Review status: criteria provided, single submitter. Criteria: ACMG Guidelines, 2015. Collection method: not provided. Allele origin: germline. Inheritance: Autosomal recessive inheritance. Affected: yes.